The following is an entry in ClinVar:

NM_144997.7(FLCN):c.1160C>A (p.Ala387Asp)

Gene: FLCN (folliculin; minus strand). Cytogenetic location: 17p11.2.
Variant type: single nucleotide variant.
Coding change: c.1160C>A on transcript NM_144997.7 (MANE Select); coding-DNA position 1160, C replaced by A.
Protein change: p.Ala387Asp; replaces alanine 387 with aspartic acid.
Molecular consequence: missense variant.
Genome position (GRCh38, 1-based): chr17:17,217,085, G>T on the plus strand (C>A on the coding strand, the complement: FLCN is on the minus strand). VCF-style: chr17-17217085-G-T. GRCh37 (hg19) VCF-style: chr17-17120399-G-T.
Other names: c.1214C>A, p.Ala405Asp (NM_001353229.2); c.1160C>A, p.Ala387Asp (NM_001353230.2, NM_001353231.2); short protein forms A387D, A405D.
Identifiers: ClinVar variation 1173109 (VCV001173109.4), dbSNP rs1431737113, ClinGen allele CA398532148.

ClinVar aggregate classification (germline): Uncertain significance (1 of 4 stars; one submission).

Conditions:
Birt-Hogg-Dube syndrome. Also called: Birt Hogg Dubé syndrome. Identifiers: Orphanet 122, MedGen C0346010, MONDO:0800444.

Submission:

Diagnostics Services (NGS), CSIR - Centre For Cellular And Molecular Biology
Classification: Uncertain significance for Birt-Hogg-Dube syndrome 1. Last evaluated: 2021-05-19. Review status: criteria provided, single submitter. Criteria: ACMG Guidelines, 2015. Collection method: clinical testing. Allele origin: unknown. Inheritance: Autosomal dominant inheritance. Affected: yes. Observed: 1 variant allele, 1 heterozygote.
Comment: The c.1160C>A variant is not present in publicly available population databases like 1000 Genomes, Exome Variant Server (EVS), Exome Aggregation Consortium (ExAC), Genome Aggregation Database (gnomAD) and dbSNP. The variant is also not present in Indian Exome Database [Kausthubham et al. Hum Mutat, 2021] and in our in-house exome database. The variant was not earlier reported to ClinVar, Human Genome Mutation Database (HGMD) and/or OMIM databases in any affected individuals. A different missense variation in the same position (NM_144997.7:c.1160C>T:p.Ala387Val) was earlier reported to ClinVar multiple times as uncertain significance (Accession: VCV000460584.4) in association with multiple fibrofoliculomas and hereditary cancer-predisposing syndrome. The amino acid position is highly conserved and in-silico pathogenicity prediction programs like SIFT, PolyPhen-3, MutationTaster2, CADD etc. predicted this variant to be likely disease causing but these predictions have not been confirmed by any published functional studies. Due to lack of enough evidence the variant has been classified as uncertain significance.